The following is an entry in ClinVar:

ClinVar aggregate classification (germline): Uncertain significance. Review status: criteria provided, multiple submitters, no conflicts (2 of 4 stars). 2 submissions from 2 submitters: Uncertain significance (2). Last evaluated 2025-06-16.

Conditions:
Cardiovascular phenotype. Identifiers: MedGen CN230736.

Submissions (2):

Ambry Genetics
Classification: Uncertain significance for Cardiovascular phenotype. Last evaluated: 2025-06-16. Review status: criteria provided, single submitter. Criteria: Ambry Variant Classification Scheme 2023. Collection method: clinical testing. Allele origin: germline.
Comment: The p.R72Q variant (also known as c.215G>A), located in coding exon 1 of the BGN gene, results from a G to A substitution at nucleotide position 215. The arginine at codon 72 is replaced by glutamine, an amino acid with highly similar properties. This amino acid position is well conserved in available vertebrate species. In addition, the in silico prediction for this alteration is inconclusive. Based on data from gnomAD, the A allele has an overall frequency of 0.0006% (1/178275) total alleles studied, with no hemizygote(s) observed. The highest observed frequency was 0.0076% (1/13126) of African/African American alleles. Based on the available evidence, the clinical significance of this variant remains unclear.

Labcorp Genetics (formerly Invitae), Labcorp
Classification: Uncertain significance. Last evaluated: 2025-01-08. Review status: criteria provided, single submitter. Criteria: Invitae Variant Classification Sherloc (09022015). Collection method: clinical testing. Allele origin: germline.
Comment: This sequence change replaces arginine, which is basic and polar, with glutamine, which is neutral and polar, at codon 72 of the BGN protein (p.Arg72Gln). This variant is present in population databases (rs782027386, gnomAD 0.008%). This variant has not been reported in the literature in individuals affected with BGN-related conditions. Invitae Evidence Modeling of protein sequence and biophysical properties (such as structural, functional, and spatial information, amino acid conservation, physicochemical variation, residue mobility, and thermodynamic stability) indicates that this missense variant is not expected to disrupt BGN protein function with a negative predictive value of 80%. Algorithms developed to predict the effect of sequence changes on RNA splicing suggest that this variant may disrupt the consensus splice site. In summary, the available evidence is currently insufficient to determine the role of this variant in disease. Therefore, it has been classified as a Variant of Uncertain Significance.

NM_001711.6(BGN):c.215G>A (p.Arg72Gln)

Gene: BGN (biglycan; plus strand). Cytogenetic location: Xq28.
Variant type: single nucleotide variant.
Coding change: c.215G>A on transcript NM_001711.6 (MANE Select); coding-DNA position 215, G replaced by A.
Protein change: p.Arg72Gln; replaces arginine 72 with glutamine.
Molecular consequence: missense variant.
Genome position (GRCh38, 1-based): chrX:153,504,846, G>A. VCF-style: chrX-153504846-G-A. GRCh37 (hg19) VCF-style: chrX-152770304-G-A.
Other names: c.215G>A (NM_001711.4); short protein forms R72Q.
Identifiers: ClinVar variation 3615743 (VCV003615743.3).